The following is an entry in ClinVar:

NM_002295.6(RPSA):c.523TGG[1] (p.Trp176del)

Gene: RPSA (ribosomal protein SA; plus strand). Cytogenetic location: 3p22.1.
Variant type: Microsatellite.
Coding change: c.523TGG[1] on transcript NM_002295.6 (MANE Select); one copy of the 3-base unit TGG starting at c.523; the reference has two copies in a row; one copy, 3 bases deleted.
Protein change: p.Trp176del; deletes tryptophan 176.
Genome position (GRCh38, 1-based): chr3:39,411,676-39,411,678, TGG deleted; deleting any 3 consecutive bases within chr3:39,411,672-39,411,678 gives the same sequence; the position shown is the placement nearest the transcript's 3' end. VCF-style (leftmost placement, unchanged base first): chr3-39411671-TGTG-T. GRCh37 (hg19) VCF-style: chr3-39453162-TGTG-T.
Other names: c.538TGG[1], p.Trp181del (NM_001304288.2); short protein forms W176del, W181del.
Identifiers: ClinVar variation 3724796 (VCV003724796.3).

ClinVar aggregate classification (germline): Uncertain significance. Review status: criteria provided, multiple submitters, no conflicts (2 of 4 stars). 2 submissions from 2 submitters: Uncertain significance (2). Last evaluated 2024-11-06.

Submissions (2):

Labcorp Genetics (formerly Invitae), Labcorp
Classification: Uncertain significance. Last evaluated: 2024-11-06. Review status: criteria provided, single submitter. Criteria: Invitae Variant Classification Sherloc (09022015). Collection method: clinical testing. Allele origin: germline.
Comment: This variant, c.526_528del, results in the deletion of 1 amino acid(s) of the RPSA protein (p.Trp176del), but otherwise preserves the integrity of the reading frame. This variant is not present in population databases (gnomAD no frequency). This variant has not been reported in the literature in individuals affected with RPSA-related conditions. Experimental studies and prediction algorithms are not available or were not evaluated, and the functional significance of this variant is currently unknown. In summary, the available evidence is currently insufficient to determine the role of this variant in disease. Therefore, it has been classified as a Variant of Uncertain Significance.

Blueprint Genetics
Classification: Uncertain significance. Last evaluated: 2020-06-08. Review status: criteria provided, single submitter. Criteria: ACMG Guidelines, 2015. Collection method: clinical testing. Allele origin: germline.